The following is an entry in ClinVar:

NM_133448.3(TMEM132D):c.269T>A (p.Leu90Gln)

Gene: TMEM132D (transmembrane protein 132D; minus strand). Cytogenetic location: 12q24.33.
Variant type: single nucleotide variant.
Coding change: c.269T>A on transcript NM_133448.3 (MANE Select); coding-DNA position 269, T replaced by A.
Protein change: p.Leu90Gln; replaces leucine 90 with glutamine.
Molecular consequence: missense variant.
Genome position (GRCh38, 1-based): chr12:129,700,509, A>T on the plus strand (T>A on the coding strand, the complement: TMEM132D is on the minus strand). VCF-style: chr12-129700509-A-T. GRCh37 (hg19) VCF-style: chr12-130185054-A-T.
Other names: short protein forms L90Q.
Identifiers: ClinVar variation 780153 (VCV000780153.6), dbSNP rs78136296, ClinGen allele CA6876424.

ClinVar aggregate classification (germline): Benign. Review status: criteria provided, multiple submitters, no conflicts (2 of 4 stars). 3 submissions from 3 submitters: Benign (2). 1 of the submissions does not count toward it. Last evaluated 2018-04-10.

Conditions:
TMEM132D-related disorder. Also called: TMEM132D-related condition.

Allele frequency attached by ClinVar (database versions not stated): gnomAD exomes 0.00210 and 0.00746; gnomAD 0.00274 and 0.00362; 1000 Genomes Project 0.01837; ESP Exome Variant Server 0.00023; TOPMed 0.00371; 1000 Genomes Project 30x 0.01702; ExAC 0.00690.
gnomAD v4.1: 3,817 of 1,614,164 alleles (0.24%); highest among the groups gnomAD compares: East Asian, 6.6%; 138 homozygotes.

Submissions (3):

Labcorp Genetics (formerly Invitae), Labcorp
Classification: Benign. Last evaluated: 2018-04-10. Review status: criteria provided, single submitter. Criteria: Invitae Variant Classification Sherloc (09022015). Collection method: clinical testing. Allele origin: germline.

Breakthrough Genomics
Classification: Benign. Review status: criteria provided, single submitter. Criteria: ACMG Guidelines, 2015. Collection method: not provided. Allele origin: germline. Inheritance: Unknown mechanism. Affected: yes.

PreventionGenetics, part of Exact Sciences
Classification: Benign for TMEM132D-related condition. Last evaluated: 2019-09-30. Review status: no assertion criteria provided. Collection method: clinical testing. Allele origin: germline. Not counted in ClinVar's aggregate classification.
Comment: This variant is classified as benign based on ACMG/AMP sequence variant interpretation guidelines (Richards et al. 2015 PMID: 25741868, with internal and published modifications).